The following is an entry in ClinVar:

NM_002470.4(MYH3):c.3409C>T (p.Arg1137Cys)

Gene: MYH3 (myosin heavy chain 3; minus strand). Cytogenetic location: 17p13.1.
Variant type: single nucleotide variant.
Coding change: c.3409C>T on transcript NM_002470.4 (MANE Select); coding-DNA position 3409, C replaced by T.
Protein change: p.Arg1137Cys; replaces arginine 1137 with cysteine.
Molecular consequence: missense variant.
Genome position (GRCh38, 1-based): chr17:10,638,363, G>A on the plus strand (C>T on the coding strand, the complement: MYH3 is on the minus strand). VCF-style: chr17-10638363-G-A. GRCh37 (hg19) VCF-style: chr17-10541680-G-A.
Other names: short protein forms R1137C.
Identifiers: ClinVar variation 258680 (VCV000258680.59), dbSNP rs12941197, ClinGen allele CA8392526.

ClinVar aggregate classification (germline): Benign/Likely benign. Review status: criteria provided, multiple submitters, no conflicts (2 of 4 stars). 7 submissions from 6 submitters: Benign (3); Likely benign (4). Last evaluated 2026-02-01.

Conditions:
Contractures, pterygia, and spondylocarpotarsal fusion syndrome 1A (CPSFS1A). Also called: Distal arthrogryposis type 8; MULTIPLE PTERYGIUM SYNDROME, AUTOSOMAL DOMINANT; Contractures, pterygia, and variable skeletal fusions syndrome 1A. Identifiers: Orphanet 65743, MedGen C1867440, MONDO:0008338, OMIM 178110.
Freeman-Sheldon syndrome (DA2A). Also called: CRANIOCARPOTARSAL DYSPLASIA; CRANIOCARPOTARSAL DYSTROPHY; WHISTLING FACE-WINDMILL VANE HAND SYNDROME; Arthrogryposis, distal, type 2A (Freeman-Sheldon). Identifiers: Orphanet 2053, MedGen C0265224, MONDO:0008675, OMIM 193700.
Contractures, pterygia, and variable skeletal fusions syndrome 1B. Also called: CONTRACTURES, PTERYGIA, AND SPONDYLOCARPOTARSAL FUSION SYNDROME 1B. Identifiers: MedGen C5193114, MONDO:0020746, OMIM 618469.
Arthrogryposis, distal, type 2B3. Also called: Arthrogryposis, distal, type 2B3 (Sheldon-Hall). Identifiers: MedGen C5193098, MONDO:0032751, OMIM 618436.
Distal arthrogryposis type 2B1 (DA2B1). Also called: Arthrogryposis multiplex congenita distal type II with craniofacial abnormalities. Identifiers: Orphanet 1147, MedGen C5193014, MONDO:0020820, OMIM 601680.

Allele frequency attached by ClinVar (database versions not stated): ExAC 0.00298; gnomAD exomes 0.00378 and 0.00256; 1000 Genomes Project 30x 0.00031; 1000 Genomes Project 0.00040; TOPMed 0.00193; ESP Exome Variant Server 0.00223; gnomAD 0.00239 and 0.00245.

Submissions (7):

Labcorp Genetics (formerly Invitae), Labcorp
Classification: Likely benign. Last evaluated: 2026-02-01. Review status: criteria provided, single submitter. Criteria: Invitae Variant Classification Sherloc (09022015). Collection method: clinical testing. Allele origin: germline.

CeGaT Center for Human Genetics Tuebingen
Classification: Likely benign. Last evaluated: 2022-12-01. Review status: criteria provided, single submitter. Criteria: CeGaT Center For Human Genetics Tuebingen Variant Classification Criteria Version 2. Collection method: clinical testing. Allele origin: germline. Affected: yes. Observed: 4 variant alleles.
Comment: MYH3: BS2

Fulgent Genetics
Classification: Likely benign for Contractures, pterygia, and spondylocarpotarsal fusion syndrome 1A; Freeman-Sheldon syndrome; Arthrogryposis, distal, type 2B3; Contractures, pterygia, and variable skeletal fusions syndrome 1B. Last evaluated: 2021-08-26. Review status: criteria provided, single submitter. Criteria: ACMG Guidelines, 2015. Collection method: clinical testing. Allele origin: unknown.

GeneDx
Classification: Benign. Last evaluated: 2020-03-12. Review status: criteria provided, single submitter. Criteria: GeneDx Variant Classification Process June 2021. Collection method: clinical testing. Allele origin: germline. Affected: yes.
Comment: In silico analysis, which includes protein predictors and evolutionary conservation, supports a deleterious effect; Has not been previously published as pathogenic or benign to our knowledge

Illumina Laboratory Services, Illumina
Classification: Benign for Freeman-Sheldon syndrome. Last evaluated: 2017-05-03. Review status: criteria provided, single submitter. Criteria: ICSL Variant Classification Criteria 13 December 2019. Collection method: clinical testing. Allele origin: germline.
Comment: This variant was observed as part of a predisposition screen in an ostensibly healthy population. A literature search was performed for the gene, cDNA change, and amino acid change (where applicable). No publications were found based on this search. Allele frequency data from public databases was too high to be consistent with this variant causing disease. Therefore, this variant is classified as benign.

Illumina Laboratory Services, Illumina
Classification: Benign for Distal arthrogryposis type 2B1. Last evaluated: 2017-05-03. Review status: criteria provided, single submitter. Criteria: ICSL Variant Classification Criteria 13 December 2019. Collection method: clinical testing. Allele origin: germline.
Comment: the same text as in the submission from Illumina Laboratory Services, Illumina above.

PreventionGenetics, part of Exact Sciences
Classification: Likely benign. Review status: criteria provided, single submitter. Criteria: ACMG Guidelines, 2015. Collection method: clinical testing. Allele origin: germline.